The following is an entry in ClinVar:

ClinVar aggregate classification (germline): Uncertain significance (1 of 4 stars; one submission).

Conditions:
Frontotemporal dementia and/or amyotrophic lateral sclerosis 1 (FTDALS1). Also called: C9orf72 Frontotemporal Dementia and/or Amyotrophic Lateral Sclerosis; Frontotemporal dementia with motor neuron disease 1. Identifiers: Orphanet 275872, MedGen C5779877, MONDO:0007105, OMIM 105550.
Paget disease of bone 2, early-onset (PDB2). Also called: Paget disease of bone 2. Identifiers: MedGen C4085251, MONDO:0011183, OMIM 602080.

Submission:

Labcorp Genetics (formerly Invitae), Labcorp
Classification: Uncertain significance for Paget disease of bone 2, early-onset; Frontotemporal dementia and/or amyotrophic lateral sclerosis 1. Last evaluated: 2023-01-02. Review status: criteria provided, single submitter. Criteria: Invitae Variant Classification Sherloc (09022015). Collection method: clinical testing. Allele origin: germline.
Comment: This sequence change replaces glycine, which is neutral and non-polar, with arginine, which is basic and polar, at codon 133 of the SQSTM1 protein (p.Gly133Arg). This variant is not present in population databases (gnomAD no frequency). This variant has not been reported in the literature in individuals affected with SQSTM1-related conditions. Advanced modeling of protein sequence and biophysical properties (such as structural, functional, and spatial information, amino acid conservation, physicochemical variation, residue mobility, and thermodynamic stability) performed at Invitae indicates that this missense variant is expected to disrupt SQSTM1 protein function. In summary, the available evidence is currently insufficient to determine the role of this variant in disease. Therefore, it has been classified as a Variant of Uncertain Significance.

NM_003900.5(SQSTM1):c.397G>A (p.Gly133Arg)

Gene: SQSTM1 (sequestosome 1; plus strand). Cytogenetic location: 5q35.3.
Variant type: single nucleotide variant.
Coding change: c.397G>A on transcript NM_003900.5 (MANE Select); coding-DNA position 397, G replaced by A.
Protein change: p.Gly133Arg; replaces glycine 133 with arginine.
Molecular consequence: missense variant.
Genome position (GRCh38, 1-based): chr5:179,823,953, G>A. VCF-style: chr5-179823953-G-A. GRCh37 (hg19) VCF-style: chr5-179250953-G-A.
Other names: c.145G>A, p.Gly49Arg (NM_001142298.2, NM_001142299.2); short protein forms G133R, G49R.
Identifiers: ClinVar variation 2942912 (VCV002942912.3), dbSNP rs2480213702, ClinGen allele CA362443674.
Genomic context (GRCh38, chr5:179,823,953, plus strand): 5'-TGTGCTCAGGAGGCGCCCCGCAACATGGTGCACCCCAATGTGATCTGCGATGGCTGCAAT[G>A]GGCCTGTGGTAGGAACCCGCTACAAGTGCAGCGTCTGCCCAGACTACGACTTGTGTAGCG-3'
Protein context (NP_003891.1, residues 123-143): HPNVICDGCN[Gly133Arg]PVVGTRYKCS